The following is an entry in ClinVar:

NM_000203.5(IDUA):c.91C>T (p.Leu31=)

Genes: IDUA (alpha-L-iduronidase; plus strand), SLC26A1 (solute carrier family 26 member 1; minus strand). Cytogenetic location: 4p16.3.
Variant type: single nucleotide variant.
Coding change: c.91C>T on transcript NM_000203.5 (MANE Select); coding-DNA position 91, C replaced by T.
Protein change: p.Leu31=; no amino-acid change (leucine 31 retained).
Molecular consequence: synonymous variant. On other transcripts: non-coding transcript variant (1), intron variant (1).
Genome position (GRCh38, 1-based): chr4:987,175, C>T. VCF-style: chr4-987175-C-T. GRCh37 (hg19) VCF-style: chr4-980963-C-T.
Other names: c.576+3953G>A (NM_134425.4).
Identifiers: ClinVar variation 1081249 (VCV001081249.28), dbSNP rs1257215898, ClinGen allele CA437911706.

ClinVar aggregate classification (germline): Likely benign. Review status: criteria provided, multiple submitters, no conflicts (2 of 4 stars). 3 submissions from 3 submitters: Likely benign (3). Last evaluated 2024-12-28.

Conditions:
Mucopolysaccharidosis type 1. Also called: IDUA deficiency; MPS I; Mucopolysaccharidosis Type I. Identifiers: Orphanet 579, MedGen C0023786, MONDO:0001586.
Inborn genetic diseases. Identifiers: MedGen C0950123, MeSH D030342.

Allele frequency attached by ClinVar (database versions not stated): gnomAD 0.00001; gnomAD exomes 0.00001; TOPMed 0.00001.
gnomAD v4.1: 12 of 1,456,806 alleles (0.00082%); highest among the groups gnomAD compares: Non-Finnish European, 0.0011%; no homozygotes.

Submissions (3):

Labcorp Genetics (formerly Invitae), Labcorp
Classification: Likely benign for Mucopolysaccharidosis type 1. Last evaluated: 2024-12-28. Review status: criteria provided, single submitter. Criteria: Invitae Variant Classification Sherloc (09022015). Collection method: clinical testing. Allele origin: germline.

CeGaT Center for Human Genetics Tuebingen
Classification: Likely benign. Last evaluated: 2024-06-01. Review status: criteria provided, single submitter. Criteria: CeGaT Center For Human Genetics Tuebingen Variant Classification Criteria Version 2. Collection method: clinical testing. Allele origin: germline. Affected: yes. Observed: 1 variant allele.
Comment: IDUA: BP4, BP7

Ambry Genetics
Classification: Likely benign for Inborn genetic diseases. Last evaluated: 2020-03-22. Review status: criteria provided, single submitter. Criteria: Ambry Variant Classification Scheme 2023. Collection method: clinical testing. Allele origin: germline.